The following is an entry in ClinVar:

ClinVar aggregate classification (germline): Uncertain significance (1 of 4 stars; one submission).

gnomAD v4.1: 1 of 1,614,068 alleles (0.000062%); highest among the groups gnomAD compares: Non-Finnish European, 0.000085%; no homozygotes.

Submission:

Labcorp Genetics (formerly Invitae), Labcorp
Classification: Uncertain significance. Last evaluated: 2023-07-13. Review status: criteria provided, single submitter. Criteria: Invitae Variant Classification Sherloc (09022015). Collection method: clinical testing. Allele origin: germline.
Comment: This sequence change replaces proline, which is neutral and non-polar, with leucine, which is neutral and non-polar, at codon 3245 of the FAT4 protein (p.Pro3245Leu). This variant is not present in population databases (gnomAD no frequency). This variant has not been reported in the literature in individuals affected with FAT4-related conditions. ClinVar contains an entry for this variant (Variation ID: 1473300). Advanced modeling of protein sequence and biophysical properties (such as structural, functional, and spatial information, amino acid conservation, physicochemical variation, residue mobility, and thermodynamic stability) performed at Invitae indicates that this missense variant is not expected to disrupt FAT4 protein function. In summary, the available evidence is currently insufficient to determine the role of this variant in disease. Therefore, it has been classified as a Variant of Uncertain Significance.

NM_001291303.3(FAT4):c.9740C>T (p.Pro3247Leu)

Gene: FAT4 (FAT atypical cadherin 4; plus strand). Cytogenetic location: 4q28.1.
Variant type: single nucleotide variant.
Coding change: c.9740C>T on transcript NM_001291303.3 (MANE Select); coding-DNA position 9740, C replaced by T.
Protein change: p.Pro3247Leu; replaces proline 3247 with leucine.
Molecular consequence: missense variant.
Genome position (GRCh38, 1-based): chr4:125,450,750, C>T. VCF-style: chr4-125450750-C-T. GRCh37 (hg19) VCF-style: chr4-126371905-C-T.
Other names: c.9740C>T, p.Pro3247Leu (NM_001291285.3); c.9734C>T, p.Pro3245Leu (NM_024582.6); short protein forms P3245L, P3247L.
Identifiers: ClinVar variation 1473300 (VCV001473300.6), dbSNP rs2126059908, ClinGen allele CA358154063.
Genomic context (GRCh38, chr4:125,450,750, plus strand): 5'-CAAATGCTGTGATTGCGTATACTGTACAGTCATCTGACAGTGACCTCTTTGTCATTGACC[C>T]TAACACAGGAGTCATAACCACTCAAGGCTTCTTGGATTTTGAAACCAAGCAGAGCTACCA-3'
Protein context (NP_001278232.1, residues 3237-3257): SSDSDLFVID[Pro3247Leu]NTGVITTQGF